The following is an entry in ClinVar:

NM_000363.5(TNNI3):c.550-10C>T

Gene: TNNI3 (troponin I3, cardiac type; minus strand). Cytogenetic location: 19q13.42.
Variant type: single nucleotide variant.
Coding change: c.550-10C>T on transcript NM_000363.5 (MANE Select); 10 bases into the intron before coding-DNA position 550, C replaced by T.
Molecular consequence: intron variant.
Genome position (GRCh38, 1-based): chr19:55,151,927, G>A on the plus strand (C>T on the coding strand, the complement: TNNI3 is on the minus strand). VCF-style: chr19-55151927-G-A. GRCh37 (hg19) VCF-style: chr19-55663295-G-A.
Other names: p.?.
Identifiers: ClinVar variation 43393 (VCV000043393.40), dbSNP rs201240150, ClinGen allele CA021879.

ClinVar aggregate classification (germline): Benign/Likely benign. Review status: criteria provided, multiple submitters, no conflicts (2 of 4 stars). 13 submissions from 13 submitters: Benign (7); Likely benign (3). 3 of the submissions do not count toward it. Last evaluated 2026-02-02.

Conditions:
Cardiomyopathy (CMYO). Also called: Cardiomyopathies. Identifiers: Orphanet 167848, MedGen C0878544, MONDO:0004994, HP:0001638. Inheritance: Various modes of inheritance.
Hypertrophic cardiomyopathy. Also called: HYPERTROPHIC MYOCARDIOPATHY. Identifiers: Orphanet 217569, MedGen C0007194, MeSH D002312, MONDO:0005045, HP:0001639.

Allele frequency attached by ClinVar (database versions not stated): gnomAD exomes 0.00020 and 0.00053; ExAC 0.00057; gnomAD 0.00179 and 0.00190; ESP Exome Variant Server 0.00195; TOPMed 0.00203; 1000 Genomes Project 0.00280; 1000 Genomes Project 30x 0.00344.
gnomAD v4.1: 579 of 1,613,752 alleles (0.036%); highest among the groups gnomAD compares: African/African-American, 0.64%; 1 homozygote.

Submissions (13):

Labcorp Genetics (formerly Invitae), Labcorp
Classification: Benign for Hypertrophic cardiomyopathy. Last evaluated: 2026-02-02. Review status: criteria provided, single submitter. Criteria: Invitae Variant Classification Sherloc (09022015). Collection method: clinical testing. Allele origin: germline.

Molecular Diagnostic Laboratory for Inherited Cardiovascular Disease, Montreal Heart Institute
Classification: Benign. Last evaluated: 2025-04-09. Review status: criteria provided, single submitter. Criteria: ACMG Guidelines, 2015. Collection method: clinical testing. Allele origin: germline. Affected: no.
Comment: BS1

ARUP Laboratories, Molecular Genetics and Genomics, ARUP Laboratories
Classification: Benign. Last evaluated: 2024-12-12. Review status: criteria provided, single submitter. Criteria: ARUP Molecular Germline Variant Investigation Process 2024. Collection method: clinical testing. Allele origin: germline.

Blueprint Genetics
Classification: Likely benign. Last evaluated: 2023-11-13. Review status: criteria provided, single submitter. Criteria: ACMG Guidelines, 2015. Collection method: clinical testing. Allele origin: germline.

Color Diagnostics, LLC DBA Color Health
Classification: Benign for Cardiomyopathy. Last evaluated: 2018-06-18. Review status: criteria provided, single submitter. Criteria: ACMG Guidelines, 2015. Collection method: clinical testing. Allele origin: germline.

Mayo Clinic Laboratories, Mayo Clinic
Classification: Benign. Last evaluated: 2017-10-30. Review status: criteria provided, single submitter. Criteria: ACMG Guidelines, 2015. Collection method: clinical testing. Allele origin: germline. Observed: 5 variant alleles.

Laboratory for Molecular Medicine, Mass General Brigham Personalized Medicine
Classification: Likely benign. Last evaluated: 2015-11-24. Review status: criteria provided, single submitter. Criteria: LMM Criteria. Collection method: clinical testing. Allele origin: germline. Observed: 21 variant alleles.
Comment: c.550-10C>T in intron 7 of TNNI3: This variant is not expected to have clinical significance because it has been identified in 0.6% (61/9712) of African chromos omes by the Exome Aggregation Consortium (ExAC; dbSNP rs201240150).

Eurofins Ntd Llc (ga)
Classification: Benign. Last evaluated: 2015-04-24. Review status: criteria provided, single submitter. Criteria: EGL Classification Definitions 2015. Collection method: clinical testing. Allele origin: germline. Observed: 1 variant allele, 1 heterozygote.

GeneDx
Classification: Benign. Last evaluated: 2015-03-03. Review status: criteria provided, single submitter. Criteria: GeneDx Variant Classification Process June 2021. Collection method: clinical testing. Allele origin: germline. Affected: yes.

PreventionGenetics, part of Exact Sciences
Classification: Likely benign. Review status: criteria provided, single submitter. Criteria: ACMG Guidelines, 2015. Collection method: clinical testing. Allele origin: germline.

Clinical Genetics DNA and cytogenetics Diagnostics Lab, Erasmus MC, Erasmus Medical Center
Classification: Benign. Review status: no assertion criteria provided. Collection method: clinical testing. Allele origin: germline. Affected: yes. Study: VKGL Data-share Consensus. Not counted in ClinVar's aggregate classification.

Clinical Genetics, Academic Medical Center
Classification: Benign. Review status: no assertion criteria provided. Collection method: clinical testing. Allele origin: germline. Affected: yes. Study: VKGL Data-share Consensus. Not counted in ClinVar's aggregate classification.

Joint Genome Diagnostic Labs from Nijmegen and Maastricht, Radboudumc and MUMC+
Classification: Likely benign. Review status: no assertion criteria provided. Collection method: clinical testing. Allele origin: germline. Affected: yes. Study: VKGL Data-share Consensus. Not counted in ClinVar's aggregate classification.